The following is an entry in ClinVar:

ClinVar aggregate classification (germline): Likely benign (1 of 4 stars; one submission).

Submission:

GeneDx
Classification: Likely benign. Last evaluated: 2018-05-25. Review status: criteria provided, single submitter. Criteria: GeneDx Variant Classification (06012015). Collection method: clinical testing. Allele origin: germline. Affected: yes.
Comment: This variant is considered likely benign or benign based on one or more of the following criteria: it is a conservative change, it occurs at a poorly conserved position in the protein, it is predicted to be benign by multiple in silico algorithms, and/or has population frequency not consistent with disease.

NM_001999.4(FBN2):c.1724-4C>A

Gene: FBN2 (fibrillin 2; minus strand). Cytogenetic location: 5q23.3.
Variant type: single nucleotide variant.
Coding change: c.1724-4C>A on transcript NM_001999.4 (MANE Select); 4 bases into the intron before coding-DNA position 1724, C replaced by A.
Molecular consequence: intron variant.
Genome position (GRCh38, 1-based): chr5:128,377,881, G>T on the plus strand (C>A on the coding strand, the complement: FBN2 is on the minus strand). VCF-style: chr5-128377881-G-T. GRCh37 (hg19) VCF-style: chr5-127713574-G-T.
Identifiers: ClinVar variation 668626 (VCV000668626.1), dbSNP rs886432251, ClinGen allele CA127023866.